The following is an entry in ClinVar:

NM_001365480.1(CCDC88A):c.5340A>C (p.Lys1780Asn)

Gene: CCDC88A (coiled-coil and HOOK domain protein 88A; minus strand). Cytogenetic location: 2p16.1.
Variant type: single nucleotide variant.
Coding change: c.5340A>C on transcript NM_001365480.1 (MANE Select); coding-DNA position 5340, A replaced by C.
Protein change: p.Lys1780Asn; replaces lysine 1780 with asparagine.
Molecular consequence: missense variant. On other transcripts: intron variant (1).
Genome position (GRCh38, 1-based): chr2:55,295,808, T>G on the plus strand (A>C on the coding strand, the complement: CCDC88A is on the minus strand). VCF-style: chr2-55295808-T-G. GRCh37 (hg19) VCF-style: chr2-55522944-T-G.
Other names: c.5337A>C, p.Lys1779Asn (NM_001135597.2); c.5256A>C, p.Lys1752Asn (NM_018084.5); c.5196-81A>C (NM_001254943.2); short protein forms K1752N, K1779N, K1780N.
Identifiers: ClinVar variation 2005409 (VCV002005409.4), dbSNP rs1679962650, ClinGen allele CA346911699.
Genomic context (GRCh38, chr2:55,295,808, plus strand): 5'-TGCATAAGGGTTACTATCTTTTGATTGTCGTGACAGAGAAGATTCTTTTACTAATTTTAT[T>G]TTTCCTTGAGTGCCTGGTGTAGGTTTTCCCGCAGAACTAATGAAGTAGGTATCTTCAGTT-3'
Protein context (NP_001352409.1, residues 1770-1790): AGKPTPGTQG[Lys1780Asn]IKLVKESSLS

ClinVar aggregate classification (germline): Uncertain significance (1 of 4 stars; one submission).

Submission:

Labcorp Genetics (formerly Invitae), Labcorp
Classification: Uncertain significance. Last evaluated: 2023-07-17. Review status: criteria provided, single submitter. Criteria: Invitae Variant Classification Sherloc (09022015). Collection method: clinical testing. Allele origin: germline.
Comment: In summary, the available evidence is currently insufficient to determine the role of this variant in disease. Therefore, it has been classified as a Variant of Uncertain Significance. An algorithm developed to predict the effect of missense changes on protein structure and function (PolyPhen-2) suggests that this variant is likely to be disruptive. ClinVar contains an entry for this variant (Variation ID: 2005409). This variant has not been reported in the literature in individuals affected with CCDC88A-related conditions. This variant is not present in population databases (gnomAD no frequency). This sequence change replaces lysine, which is basic and polar, with asparagine, which is neutral and polar, at codon 1779 of the CCDC88A protein (p.Lys1779Asn).